The following is an entry in ClinVar:

NM_017950.4(CCDC40):c.1286G>C (p.Arg429Thr)

Gene: CCDC40 (coiled-coil domain 40 molecular ruler complex subunit; plus strand). Cytogenetic location: 17q25.3.
Variant type: single nucleotide variant.
Coding change: c.1286G>C on transcript NM_017950.4 (MANE Select); coding-DNA position 1286, G replaced by C.
Protein change: p.Arg429Thr; replaces arginine 429 with threonine.
Molecular consequence: missense variant.
Genome position (GRCh38, 1-based): chr17:80,058,620, G>C. VCF-style: chr17-80058620-G-C. GRCh37 (hg19) VCF-style: chr17-78032419-G-C.
Other names: c.1286G>C, p.Arg429Thr (NM_001243342.2, NM_001330508.2); short protein forms R429T.
Identifiers: ClinVar variation 1956551 (VCV001956551.5), dbSNP rs2510295947, ClinGen allele CA401324300.

ClinVar aggregate classification (germline): Uncertain significance (1 of 4 stars; one submission).

Conditions:
Primary ciliary dyskinesia. Also called: Ciliary dyskinesia. Identifiers: Orphanet 244, MedGen C0008780, MONDO:0016575, HP:0012265.

Allele frequency attached by ClinVar (database versions not stated): gnomAD exomes 0.00001.
gnomAD v4.1: 11 of 1,614,232 alleles (0.00068%); highest among the groups gnomAD compares: Non-Finnish European, 0.00076%; no homozygotes.

Submission:

Labcorp Genetics (formerly Invitae), Labcorp
Classification: Uncertain significance for Primary ciliary dyskinesia. Last evaluated: 2022-08-12. Review status: criteria provided, single submitter. Criteria: Invitae Variant Classification Sherloc (09022015). Collection method: clinical testing. Allele origin: germline.
Comment: In summary, the available evidence is currently insufficient to determine the role of this variant in disease. Therefore, it has been classified as a Variant of Uncertain Significance. Algorithms developed to predict the effect of missense changes on protein structure and function are either unavailable or do not agree on the potential impact of this missense change (SIFT: "Deleterious"; PolyPhen-2: "Benign"; Align-GVGD: "Class C0"). This variant has not been reported in the literature in individuals affected with CCDC40-related conditions. This variant is not present in population databases (gnomAD no frequency). This sequence change replaces arginine, which is basic and polar, with threonine, which is neutral and polar, at codon 429 of the CCDC40 protein (p.Arg429Thr).